The following is an entry in ClinVar:

ClinVar aggregate classification (germline): Uncertain significance (1 of 4 stars; one submission).

Conditions:
Primary ciliary dyskinesia. Also called: Ciliary dyskinesia. Identifiers: Orphanet 244, MedGen C0008780, MONDO:0016575, HP:0012265.

Submission:

Labcorp Genetics (formerly Invitae), Labcorp
Classification: Uncertain significance for Primary ciliary dyskinesia. Last evaluated: 2022-08-09. Review status: criteria provided, single submitter. Criteria: Invitae Variant Classification Sherloc (09022015). Collection method: clinical testing. Allele origin: germline.
Comment: This variant has not been reported in the literature in individuals affected with RPGR-related conditions. This variant is not present in population databases (gnomAD no frequency). This sequence change replaces asparagine, which is neutral and polar, with serine, which is neutral and polar, at codon 231 of the RPGR protein (p.Asn231Ser). Algorithms developed to predict the effect of missense changes on protein structure and function are either unavailable or do not agree on the potential impact of this missense change (SIFT: "Deleterious"; PolyPhen-2: "Benign"; Align-GVGD: "Class C0"). In summary, the available evidence is currently insufficient to determine the role of this variant in disease. Therefore, it has been classified as a Variant of Uncertain Significance.

NM_001034853.2(RPGR):c.692A>G (p.Asn231Ser)

Gene: RPGR (retinitis pigmentosa GTPase regulator; minus strand). Cytogenetic location: Xp11.4.
Variant type: single nucleotide variant.
Coding change: c.692A>G on transcript NM_001034853.2 (MANE Select); coding-DNA position 692, A replaced by G.
Protein change: p.Asn231Ser; replaces asparagine 231 with serine.
Molecular consequence: missense variant. On other transcripts: non-coding transcript variant (6).
Genome position (GRCh38, 1-based): chrX:38,310,701, T>C on the plus strand (A>G on the coding strand, the complement: RPGR is on the minus strand). VCF-style: chrX-38310701-T-C. GRCh37 (hg19) VCF-style: chrX-38169954-T-C.
Other names: c.692A>G, p.Asn231Ser (NM_000328.3, NM_001367246.1, NM_001367247.1 and 1 more transcripts); c.689A>G, p.Asn230Ser (NM_001367245.1, NM_001367249.1, NM_001367250.1); c.722A>G, p.Asn241Ser (NM_001367248.1); short protein forms N230S, N231S, N241S.
Identifiers: ClinVar variation 2040204 (VCV002040204.4), dbSNP rs2519866092, ClinGen allele CA412742822.